The following is an entry in ClinVar:

NM_001364905.1(LRBA):c.157G>A (p.Gly53Ser)

Gene: LRBA (LPS responsive beige-like anchor protein; minus strand). Cytogenetic location: 4q31.3.
Variant type: single nucleotide variant.
Coding change: c.157G>A on transcript NM_001364905.1 (MANE Select); coding-DNA position 157, G replaced by A.
Protein change: p.Gly53Ser; replaces glycine 53 with serine.
Molecular consequence: missense variant.
Genome position (GRCh38, 1-based): chr4:151,014,486, C>T on the plus strand (G>A on the coding strand, the complement: LRBA is on the minus strand). VCF-style: chr4-151014486-C-T. GRCh37 (hg19) VCF-style: chr4-151935638-C-T.
Other names: c.157G>A, p.Gly53Ser (NM_001199282.3, NM_001367550.1, NM_006726.5); short protein forms G53S.
Identifiers: ClinVar variation 1996177 (VCV001996177.1), dbSNP rs1745211052, ClinGen allele CA358610840.
Genomic context (GRCh38, chr4:151,014,486, plus strand): 5'-CCAGGTTAAAGACAGTTTCTACAATATCCCTATTGGATACTTCTCCAACTTCAACCAAAC[C>T]GGTCAACACGGCAAATTTCATTCTGATGCCCCTGATGGGGAGCCCTGGTTTCAGAGACAA-3'
Protein context (NP_001351834.1, residues 43-63): GIRMKFAVLT[Gly53Ser]LVEVGEVSNR

ClinVar aggregate classification (germline): Uncertain significance (1 of 4 stars; one submission).

Conditions:
Combined immunodeficiency due to LRBA deficiency. Also called: Common variable immunodeficiency 8, with autoimmunity. Identifiers: Orphanet 445018, MedGen C3553512, MONDO:0013863, OMIM 614700.

Allele frequency attached by ClinVar (database versions not stated): TOPMed 0.00001.

Submission:

Labcorp Genetics (formerly Invitae), Labcorp
Classification: Uncertain significance for Combined immunodeficiency due to LRBA deficiency. Last evaluated: 2022-05-18. Review status: criteria provided, single submitter. Criteria: Invitae Variant Classification Sherloc (09022015). Collection method: clinical testing. Allele origin: germline.
Comment: This sequence change replaces glycine, which is neutral and non-polar, with serine, which is neutral and polar, at codon 53 of the LRBA protein (p.Gly53Ser). This variant is not present in population databases (gnomAD no frequency). This variant has not been reported in the literature in individuals affected with LRBA-related conditions. Algorithms developed to predict the effect of missense changes on protein structure and function are either unavailable or do not agree on the potential impact of this missense change (SIFT: "Tolerated"; PolyPhen-2: "Probably Damaging"; Align-GVGD: "Class C0"). In summary, the available evidence is currently insufficient to determine the role of this variant in disease. Therefore, it has been classified as a Variant of Uncertain Significance.